The following is an entry in ClinVar:

ClinVar aggregate classification (germline): Likely pathogenic (1 of 4 stars; one submission).

Submission:

GeneDx
Classification: Likely pathogenic. Last evaluated: 2019-03-07. Review status: criteria provided, single submitter. Criteria: GeneDx Variant Classification (06012015). Collection method: clinical testing. Allele origin: germline. Affected: yes.
Comment: The c.348dupC variant in the DDR2 gene has not been reported previously as a pathogenic variant nor as a benign variant, to our knowledge. The c.348dupC variant causes a frameshift starting with codon Methionine 117, changes this amino acid to a Histidine residue, and creates a premature Stop codon at position 29 of the new reading frame, denoted p.Met117HisfsX29. This variant is predicted to cause loss of normal protein function either through protein truncation or nonsense-mediated mRNA decay. The c.348dupC variant is not observed in large population cohorts (Lek et al., 2016). We interpret c.348dupC as a likely pathogenic variant,

NM_006182.4(DDR2):c.348dup (p.Met117fs)

Gene: DDR2 (discoidin domain receptor tyrosine kinase 2; plus strand). Cytogenetic location: 1q23.3.
Variant type: Duplication.
Coding change: c.348dup on transcript NM_006182.4 (MANE Select); coding-DNA position 348, one base duplicated (C; older notation c.348dupC).
Protein change: p.Met117fs; shifts the reading frame from methionine 117.
Molecular consequence: frameshift variant.
Genome position (GRCh38, 1-based): chr1:162,754,786, C duplicated; the last of 5 consecutive C bases (chr1:162,754,782-162,754,786); duplicating any one gives the same sequence. VCF-style (leftmost placement, unchanged base first): chr1-162754781-G-GC. GRCh37 (hg19) VCF-style: chr1-162724571-G-GC.
Other names: c.348dup, p.Met117fs (NM_001014796.3, NM_001354982.2, NM_001354983.2); short protein forms M117fs.
Identifiers: ClinVar variation 818027 (VCV000818027.1), dbSNP rs1571295161, ClinGen allele CA915943635.